The following is an entry in ClinVar:

NM_001040108.2(MLH3):c.1600G>A (p.Val534Ile)

Gene: MLH3 (mutL homolog 3; minus strand). Cytogenetic location: 14q24.3.
Variant type: single nucleotide variant.
Coding change: c.1600G>A on transcript NM_001040108.2 (MANE Select); coding-DNA position 1600, G replaced by A.
Protein change: p.Val534Ile; replaces valine 534 with isoleucine.
Molecular consequence: missense variant.
Genome position (GRCh38, 1-based): chr14:75,048,056, C>T on the plus strand (G>A on the coding strand, the complement: MLH3 is on the minus strand). VCF-style: chr14-75048056-C-T. GRCh37 (hg19) VCF-style: chr14-75514759-C-T.
Other names: c.1600G>A, p.Val534Ile (NM_014381.3); c.1600G>A (NM_001040108.1); short protein forms V534I.
Identifiers: ClinVar variation 1019359 (VCV001019359.9), dbSNP rs772109972, ClinGen allele CA7275847.

ClinVar aggregate classification (germline): Uncertain significance. Review status: criteria provided, multiple submitters, no conflicts (2 of 4 stars). 2 submissions from 2 submitters: Uncertain significance (2). Last evaluated 2025-03-15.

Conditions:
Colorectal cancer, hereditary nonpolyposis, type 7. Identifiers: Orphanet 144, MedGen C1858380, MONDO:0013725, OMIM 614385.

Allele frequency attached by ClinVar (database versions not stated): gnomAD exomes below 0.00001; ExAC 0.00001.

Submissions (2):

Ambry Genetics
Classification: Uncertain significance. Last evaluated: 2025-03-15. Review status: criteria provided, single submitter. Criteria: Ambry Variant Classification Scheme 2023. Collection method: clinical testing. Allele origin: germline.
Comment: The p.V534I variant (also known as c.1600G>A), located in coding exon 1 of the MLH3 gene, results from a G to A substitution at nucleotide position 1600. The valine at codon 534 is replaced by isoleucine, an amino acid with highly similar properties. This amino acid position is conserved. In addition, this alteration is predicted to be tolerated by in silico analysis. Based on the available evidence, the clinical significance of this variant remains unclear.

Labcorp Genetics (formerly Invitae), Labcorp
Classification: Uncertain significance for Colorectal cancer, hereditary nonpolyposis, type 7. Last evaluated: 2022-10-19. Review status: criteria provided, single submitter. Criteria: Invitae Variant Classification Sherloc (09022015). Collection method: clinical testing. Allele origin: germline.
Comment: This variant is present in population databases (rs772109972, gnomAD 0.0009%). In summary, the available evidence is currently insufficient to determine the role of this variant in disease. Therefore, it has been classified as a Variant of Uncertain Significance. Algorithms developed to predict the effect of missense changes on protein structure and function output the following: SIFT: "Tolerated"; PolyPhen-2: "Benign"; Align-GVGD: "Class C0". The isoleucine amino acid residue is found in multiple mammalian species, which suggests that this missense change does not adversely affect protein function. ClinVar contains an entry for this variant (Variation ID: 1019359). This variant has not been reported in the literature in individuals affected with MLH3-related conditions. This sequence change replaces valine, which is neutral and non-polar, with isoleucine, which is neutral and non-polar, at codon 534 of the MLH3 protein (p.Val534Ile).